The following is an entry in ClinVar:

ClinVar aggregate classification (germline): Benign/Likely benign. Review status: criteria provided, multiple submitters, no conflicts (2 of 4 stars). 3 submissions from 3 submitters: Benign (1); Likely benign (2). Last evaluated 2026-01-11.

Conditions:
Prolidase deficiency. Identifiers: Orphanet 742, MedGen C0268532, MONDO:0008221, OMIM 170100.

Allele frequency attached by ClinVar (database versions not stated): TOPMed 0.00003; ESP Exome Variant Server 0.00008; gnomAD 0.00008 and 0.00021; gnomAD exomes 0.00048; ExAC 0.00054; 1000 Genomes Project 30x 0.00062; 1000 Genomes Project 0.00080.
gnomAD v4.1: 416 of 1,613,974 alleles (0.026%); highest among the groups gnomAD compares: South Asian, 0.32%; 6 homozygotes.

Submissions (3):

Labcorp Genetics (formerly Invitae), Labcorp
Classification: Benign. Last evaluated: 2026-01-11. Review status: criteria provided, single submitter. Criteria: Invitae Variant Classification Sherloc (09022015). Collection method: clinical testing. Allele origin: germline.

Blueprint Genetics
Classification: Likely benign. Last evaluated: 2024-11-08. Review status: criteria provided, single submitter. Criteria: ACMG Guidelines, 2015. Collection method: clinical testing. Allele origin: germline.

Illumina Laboratory Services, Illumina
Classification: Likely benign for Prolidase deficiency. Last evaluated: 2018-01-12. Review status: criteria provided, single submitter. Criteria: ICSL Variant Classification Criteria 13 December 2019. Collection method: clinical testing. Allele origin: germline.
Comment: This variant was observed in the ICSL laboratory as part of a predisposition screen in an ostensibly healthy population. It had not been previously curated by ICSL or reported in the Human Gene Mutation Database (HGMD: prior to June 1st, 2018), and was therefore a candidate for classification through an automated scoring system. Utilizing variant allele frequency, disease prevalence and penetrance estimates, and inheritance mode, an automated score was calculated to assess if this variant is too frequent to cause the disease. Based on the score and internal cut-off values, a variant classified as likely benign is not then subjected to further curation. The score for this variant resulted in a classification of likely benign for this disease.

NM_000285.4(PEPD):c.1385T>C (p.Ile462Thr)

Gene: PEPD (peptidase D; minus strand). Cytogenetic location: 19q13.11.
Variant type: single nucleotide variant.
Coding change: c.1385T>C on transcript NM_000285.4 (MANE Select); coding-DNA position 1385, T replaced by C.
Protein change: p.Ile462Thr; replaces isoleucine 462 with threonine.
Molecular consequence: missense variant.
Genome position (GRCh38, 1-based): chr19:33,387,441, A>G on the plus strand (T>C on the coding strand, the complement: PEPD is on the minus strand). VCF-style: chr19-33387441-A-G. GRCh37 (hg19) VCF-style: chr19-33878347-A-G.
Other names: c.1262T>C, p.Ile421Thr (NM_001166056.2); c.1193T>C, p.Ile398Thr (NM_001166057.2); short protein forms I462T, I398T, I421T.
Identifiers: ClinVar variation 328784 (VCV000328784.13), dbSNP rs201222933, ClinGen allele CA9363870.